The following is an entry in ClinVar:

ClinVar aggregate classification (germline): Pathogenic (1 of 4 stars; one submission).

Conditions:
Cornelia de Lange syndrome 1 (CDLS1). Also called: Brachmann de Lange syndrome; TYPUS DEGENERATIVUS AMSTELODAMENSIS; NIPBL-Related Cornelia de Lange Syndrome. Identifiers: Orphanet 199, MedGen C4551851, MONDO:0007387, OMIM 122470.

Submission:

Labcorp Genetics (formerly Invitae), Labcorp
Classification: Pathogenic for Cornelia de Lange syndrome 1. Last evaluated: 2021-04-10. Review status: criteria provided, single submitter. Criteria: Invitae Variant Classification Sherloc (09022015). Collection method: clinical testing. Allele origin: germline.
Comment: For these reasons, this variant has been classified as Pathogenic. This variant has not been reported in the literature in individuals with NIPBL-related conditions. This variant is not present in population databases (ExAC no frequency). This sequence change creates a premature translational stop signal (p.Thr1909Asnfs*14) in the NIPBL gene. It is expected to result in an absent or disrupted protein product. Loss-of-function variants in NIPBL are known to be pathogenic (PMID: 15318302, 19763162, 23505322, 29995837).

Literature cited by the submitters: PubMed 15318302; PubMed 19763162; PubMed 23505322; PubMed 29995837.

NM_133433.4(NIPBL):c.5725dup (p.Thr1909fs)

Gene: NIPBL (NIPBL cohesin loading factor; plus strand). Cytogenetic location: 5p13.2.
Variant type: Duplication.
Coding change: c.5725dup on transcript NM_133433.4 (MANE Select); coding-DNA position 5725, one base duplicated (A; older notation c.5725dupA).
Protein change: p.Thr1909fs; shifts the reading frame from threonine 1909.
Molecular consequence: frameshift variant.
Genome position (GRCh38, 1-based): chr5:37,026,244, A duplicated; the last of 3 consecutive A bases (chr5:37,026,242-37,026,244); duplicating any one gives the same sequence. VCF-style (leftmost placement, unchanged base first): chr5-37026241-G-GA. GRCh37 (hg19) VCF-style: chr5-37026343-G-GA.
Other names: c.5725dup, p.Thr1909fs (NM_015384.5); short protein forms T1909fs.
Identifiers: ClinVar variation 1406195 (VCV001406195.6), dbSNP rs2149704475, ClinGen allele CA2573139629.